The following is an entry in ClinVar:

NM_006420.3(ARFGEF2):c.2059C>T (p.Arg687Cys)

Gene: ARFGEF2 (ARF guanine nucleotide exchange factor 2; plus strand). Cytogenetic location: 20q13.13.
Variant type: single nucleotide variant.
Coding change: c.2059C>T on transcript NM_006420.3 (MANE Select); coding-DNA position 2059, C replaced by T.
Protein change: p.Arg687Cys; replaces arginine 687 with cysteine.
Molecular consequence: missense variant.
Genome position (GRCh38, 1-based): chr20:48,984,829, C>T. VCF-style: chr20-48984829-C-T. GRCh37 (hg19) VCF-style: chr20-47601366-C-T.
Other names: c.2056C>T, p.Arg686Cys (NM_001410846.1); short protein forms R687C, R686C.
Identifiers: ClinVar variation 4738078 (VCV004738078.1).
Genomic context (GRCh38, chr20:48,984,829, plus strand): 5'-GAGCAGGGCATGCTGGGAACGTCAGTTGAAGACATAGCCCAATTCCTGCACCAGGAGGAG[C>T]GCCTGGATTCCGTAAGGCTTGGGGGTGTAGCACTTGCATGTGAGTTCTGTCAGGTGATTG-3'
Protein context (NP_006411.2, residues 677-697): DIAQFLHQEE[Arg687Cys]LDSTQVGDFL

ClinVar aggregate classification (germline): Uncertain significance (1 of 4 stars; one submission).

gnomAD v4.1: 4 of 1,612,574 alleles (0.00025%); highest among the groups gnomAD compares: African/African-American, 0.0013%; no homozygotes.

Submission:

Labcorp Genetics (formerly Invitae), Labcorp
Classification: Uncertain significance. Last evaluated: 2026-01-28. Review status: criteria provided, single submitter. Criteria: Invitae Variant Classification Sherloc (09022015). Collection method: clinical testing. Allele origin: germline.
Comment: This sequence change replaces arginine, which is basic and polar, with cysteine, which is neutral and slightly polar, at codon 687 of the ARFGEF2 protein (p.Arg687Cys). This variant is not present in population databases (gnomAD no frequency). This variant has not been reported in the literature in individuals affected with ARFGEF2-related conditions. An algorithm developed to predict the effect of missense changes on protein structure and function (PolyPhen-2) suggests that this variant is likely to be disruptive. In summary, the available evidence is currently insufficient to determine the role of this variant in disease. Therefore, it has been classified as a Variant of Uncertain Significance.